The following is an entry in ClinVar:

ClinVar aggregate classification (germline): Likely benign. Review status: reviewed by expert panel (3 of 4 stars). 16 submissions from 16 submitters: Likely benign (1). 15 of the submissions do not count toward it. Last evaluated 2023-08-10.

Conditions:
CDH1-related disorder. Also called: CDH1-related condition.
CDH1-related diffuse gastric and lobular breast cancer syndrome. Also called: CDH1-related diffuse gastric and lobular breast cancer. Identifiers: MedGen CN311521, MONDO:0100488.
Hereditary cancer-predisposing syndrome. Also called: Hereditary Cancer Syndrome; Neoplastic Syndromes, Hereditary; Tumor predisposition; Hereditary neoplastic syndrome. Identifiers: Orphanet 140162, MedGen C0027672, MeSH D009386, MONDO:0015356.
Ovarian cancer. Also called: OVARIAN CANCER, SOMATIC. Identifiers: Orphanet 213500, MedGen C1140680, MONDO:0008170, OMIM 167000.
Hereditary diffuse gastric adenocarcinoma (HDGC). Also called: DIFFUSE GASTRIC AND LOBULAR BREAST CANCER SYNDROME. Identifiers: Orphanet 26106, MedGen C1708349, MONDO:0007648, OMIM 137215.
Malignant tumor of breast. Also called: Malignant breast neoplasm; Cancer breast. Identifiers: MedGen C0006142, MONDO:0007254. Disease mechanism: loss of function.

Allele frequency attached by ClinVar (database versions not stated): TOPMed 0.00004; gnomAD 0.00003 and 0.00002; 1000 Genomes Project 30x 0.00031; ExAC 0.00003; 1000 Genomes Project 0.00020; gnomAD exomes 0.00001.
gnomAD v4.1: 24 of 1,613,404 alleles (0.0015%); highest among the groups gnomAD compares: African/African-American, 0.015%; no homozygotes.

Submissions (16):

Clingen Gastric Cancer Variant Curation Expert Panel
Classification: Likely benign for CDH1-related diffuse gastric and lobular breast cancer syndrome. Last evaluated: 2023-08-10. Review status: reviewed by expert panel. Criteria: ClinGen CDH1 ACMG Specifications V3.1. Collection method: curation. Allele origin: germline. Inheritance: Autosomal dominant inheritance.
Comment: The c.371G>A (p.Arg124His) missense variant has a frequency of 0.02010% in Africans (5/24870 alleles) in the gnomAD v2.1.1 cohort. This variant has been observed in at least 10 (31) individuals without DGC, SRC tumours or LBC and whose families do not suggest HDGC (BS2; SCV000637819.6, SCV000184938.6). In summary, the clinical significance of this variant is classified as of likely benign based the ACMG/AMP criteria applied, as specified by the CDH1 Variant Curation Expert Panel (Variant Interpretation Guidelines Version 3.1): BS2.

Labcorp Genetics (formerly Invitae), Labcorp
Classification: Uncertain significance for Hereditary diffuse gastric adenocarcinoma. Last evaluated: 2026-02-01. Review status: criteria provided, single submitter. Criteria: Invitae Variant Classification Sherloc (09022015). Collection method: clinical testing. Allele origin: germline. Not counted in ClinVar's aggregate classification.
Comment: This sequence change replaces arginine, which is basic and polar, with histidine, which is basic and polar, at codon 124 of the CDH1 protein (p.Arg124His). This variant is present in population databases (rs115418995, gnomAD 0.02%). This missense change has been observed in individual(s) with CDH1-related conditions (PMID: 24493355, 28873162, 36436516). ClinVar contains an entry for this variant (Variation ID: 141538). An algorithm developed to predict the effect of missense changes on protein structure and function outputs the following: PolyPhen-2: "Benign". The histidine amino acid residue is found in multiple mammalian species, which suggests that this missense change does not adversely affect protein function. In summary, the available evidence is currently insufficient to determine the role of this variant in disease. Therefore, it has been classified as a Variant of Uncertain Significance.

Dasa
Classification: Likely benign. Last evaluated: 2026-01-05. Review status: criteria provided, single submitter. Criteria: DASA Assertion Criteria. Collection method: clinical testing. Allele origin: germline. Not counted in ClinVar's aggregate classification.
Comment: NM_004360.5(CDH1):c.371G>A (p.Arg124His) is a missense variant that results in the substitution of arginine with histidine. Multiple computational predictions support a deleterious effect on the gene or gene product. The variant is present at low frequency in population datasets. Based on the available data, this variant is classified as likely benign.

Women's Health and Genetics/Laboratory Corporation of America, LabCorp
Classification: Uncertain significance. Last evaluated: 2025-09-22. Review status: criteria provided, single submitter. Criteria: LabCorp Variant Classification Summary - May 2015. Collection method: clinical testing. Allele origin: germline. Not counted in ClinVar's aggregate classification.
Comment: Variant summary: CDH1 c.371G>A (p.Arg124His) results in a non-conservative amino acid change in the encoded protein sequence. Algorithms developed to predict the effect of missense changes on protein structure and function are either unavailable or do not agree on the potential impact of this missense change. The variant allele was found at a frequency of 2.4e-05 in 250586 control chromosomes. The available data on variant occurrences in the general population are insufficient to allow any conclusion about variant significance. c.371G>A has been observed in individual(s) affected with Hereditary Diffuse Gastric Cancer and other cancers (Molinaro_2014, Okawa_2023, deOliveira_2022). These report(s) do not provide unequivocal conclusions about association of the variant with Hereditary Diffuse Gastric Cancer. To our knowledge, no experimental evidence demonstrating an impact on protein function has been reported. The following publications have been ascertained in the context of this evaluation (PMID: 24493355, 36243179, 35534704). ClinVar contains an entry for this variant (Variation ID: 141538). Based on the evidence outlined above, the variant was classified as uncertain significance.

Color Diagnostics, LLC DBA Color Health
Classification: Likely benign for Hereditary cancer-predisposing syndrome. Last evaluated: 2024-09-25. Review status: criteria provided, single submitter. Criteria: ACMG Guidelines, 2015. Collection method: clinical testing. Allele origin: germline. Not counted in ClinVar's aggregate classification.

GeneDx
Classification: Uncertain significance. Last evaluated: 2023-09-28. Review status: criteria provided, single submitter. Criteria: GeneDx Variant Classification Process June 2021. Collection method: clinical testing. Allele origin: germline. Affected: yes. Not counted in ClinVar's aggregate classification.
Comment: In silico analysis supports that this missense variant does not alter protein structure/function; This variant is associated with the following publications: (PMID: 28873162, 15235021, 36436516, 24493355, 36243179)

PreventionGenetics, part of Exact Sciences
Classification: Uncertain significance for CDH1-related condition. Last evaluated: 2023-05-09. Review status: criteria provided, single submitter. Criteria: ACMG Guidelines, 2015. Collection method: clinical testing. Allele origin: germline. Not counted in ClinVar's aggregate classification.
Comment: The CDH1 c.371G>A variant is predicted to result in the amino acid substitution p.Arg124His. This variant was reported in an individual with diffuse gastric cancer (Molinaro et al. 2014. PubMed ID: 24493355). This variant is reported in 0.020% of alleles in individuals of African descent in gnomAD, and is listed in ClinVar with confliciting interpretations of uncertain, likely benign and benign. At this time, the clinical significance of this variant is uncertain due to the absence of conclusive functional and genetic evidence.

Myriad Genetics, Inc.
Classification: Uncertain significance for Hereditary diffuse gastric adenocarcinoma. Last evaluated: 2023-03-06. Review status: criteria provided, single submitter. Criteria: Myriad Autosomal Dominant, Autosomal Recessive and X-Linked Classification Criteria (2023). Collection method: clinical testing. Allele origin: unknown. Not counted in ClinVar's aggregate classification.
Comment: This variant is classified as a variant of uncertain significance as there is insufficient evidence to determine its impact on protein function and/or cancer risk.

European Reference Network on Genetic Tumour Risk Syndromes (ERN-GENTURIS), i3s - Instituto de Investigação e Inovação em Saúde, University of Porto
Classification: Uncertain significance for Hereditary diffuse gastric adenocarcinoma. Last evaluated: 2022-08-01. Review status: criteria provided, single submitter. Criteria: Lee et al. (Hum Mutat. 2018). Collection method: clinical testing. Allele origin: germline. Inheritance: Autosomal dominant inheritance. Affected: yes. Study: ERN GENTURIS. Not counted in ClinVar's aggregate classification.
Comment: PS4_Supporting (PMID: 30311375)

Laboratory of Molecular Epidemiology of Birth Defects, West China Second University Hospital, Sichuan University
Classification: Benign for Ovarian cancer. Last evaluated: 2022-01-01. Review status: criteria provided, single submitter. Criteria: ACMG Guidelines, 2015. Collection method: clinical testing. Allele origin: germline. Affected: yes. Not counted in ClinVar's aggregate classification.

Quest Diagnostics Nichols Institute San Juan Capistrano
Classification: Uncertain significance. Last evaluated: 2020-12-24. Review status: criteria provided, single submitter. Criteria: Quest Diagnostics criteria. Collection method: clinical testing. Allele origin: unknown. Not counted in ClinVar's aggregate classification.

Ambry Genetics
Classification: Likely benign for Hereditary cancer-predisposing syndrome. Last evaluated: 2019-02-16. Review status: criteria provided, single submitter. Criteria: Ambry Variant Classification Scheme 2023. Collection method: clinical testing. Allele origin: germline. Not counted in ClinVar's aggregate classification.

Mendelics
Classification: Uncertain significance for Hereditary diffuse gastric cancer. Last evaluated: 2018-07-02. Review status: criteria provided, single submitter. Criteria: Mendelics Assertion Criteria 2017. Collection method: clinical testing. Allele origin: unknown. Not counted in ClinVar's aggregate classification.

Eurofins Ntd Llc (ga)
Classification: Uncertain significance. Last evaluated: 2018-03-09. Review status: criteria provided, single submitter. Criteria: EGL ClinVar v180209 classification definitions. Collection method: clinical testing. Allele origin: germline. Observed: 1 variant allele, 1 heterozygote. Not counted in ClinVar's aggregate classification.

Counsyl
Classification: Uncertain significance for Hereditary diffuse gastric adenocarcinoma. Last evaluated: 2018-02-09. Review status: no assertion criteria provided. Collection method: clinical testing. Allele origin: unknown. Not counted in ClinVar's aggregate classification.

Department of Pathology and Laboratory Medicine, Sinai Health System
Classification: Uncertain significance for Malignant tumor of breast. Review status: no assertion criteria provided. Collection method: clinical testing. Allele origin: unknown. Affected: yes. Study: The Canadian Open Genetics Repository (COGR). Not counted in ClinVar's aggregate classification.
Comment: The CDH1 p.Arg124His variant was identified in 1 of 64 proband chromosomes (frequency: 0.016) from individuals or families with diffuse gastric cancer (Molinaro 2014). The variant was also identified in dbSNP (ID: rs115418995) as "With Uncertain significance allele", ClinVar (classified as likely benign by Ambry Genetics and classified as uncertain significance by GeneDx, Invitae, Counsyl, and one other clinical laboratory), and in Zhejiang University Database (1x). The variant was not identified in Cosmic or MutDB databases. The variant was identified in control databases in 6 of 276422 chromosomes at a frequency of 0.00002 (Genome Aggregation Database Feb 27, 2017). The variant was observed in the following populations: African in 4 of 24004 chromosomes (freq: 0.0002), European in 1 of 126036 chromosomes (freq: 0.000008), and East Asian in 1 of 18866 chromosomes (freq: 0.00005), while the variant was not observed in the Other, Latino, Ashkenazi Jewish, Finnish, or South Asian populations. The p.Arg124 residue is not conserved in mammals and computational analyses (PolyPhen-2, SIFT, AlignGVGD, BLOSUM, MutationTaster) do not suggest a high likelihood of impact to the protein; however, this information is not predictive enough to rule out pathogenicity. The variant occurs outside of the splicing consensus sequence and in silico or computational prediction software programs (SpliceSiteFinder, MaxEntScan, NNSPLICE, GeneSplicer) do not predict a difference in splicing. In addition, single-nucleotide primer extension and RT-PCR assays did not detect allelic imbalance or aberrant splicing (Molinaro 2014). In summary, based on the above information, the clinical significance of this variant cannot be determined with certainty at this time. This variant is classified as a variant of uncertain significance.

Literature cited by the submitters: PubMed 24493355 (cited by 6 submitters); PubMed 28873162 (cited by 3 submitters); PubMed 36436516 (cited by Labcorp Genetics (formerly Invitae), Labcorp and European Reference Network on Genetic Tumour Risk Syndromes (ERN-GENTURIS), i3s - Instituto de Investigação e Inovação em Saúde, University of Porto); PubMed 36243179 (cited by Women's Health and Genetics/Laboratory Corporation of America, LabCorp); PubMed 35534704 (cited by Women's Health and Genetics/Laboratory Corporation of America, LabCorp).

NM_004360.5(CDH1):c.371G>A (p.Arg124His)

Gene: CDH1 (cadherin 1; plus strand). Cytogenetic location: 16q22.1.
Variant type: single nucleotide variant.
Coding change: c.371G>A on transcript NM_004360.5 (MANE Select); coding-DNA position 371, G replaced by A.
Protein change: p.Arg124His; replaces arginine 124 with histidine.
Molecular consequence: missense variant. On other transcripts: 5 prime UTR variant (2).
Genome position (GRCh38, 1-based): chr16:68,801,877, G>A. VCF-style: chr16-68801877-G-A. GRCh37 (hg19) VCF-style: chr16-68835780-G-A.
Other names: p.R124H:CGC>CAC; NM_004360.5(CDH1):c.371G>A; c.371G>A, p.Arg124His (NM_001317184.2); c.-1245G>A (NM_001317185.2); c.-1449G>A (NM_001317186.2); short protein forms R124H.
Identifiers: ClinVar variation 141538 (VCV000141538.33), dbSNP rs115418995, ClinGen allele CA294161.